The following is an entry in ClinVar:

ClinVar aggregate classification (germline): Pathogenic/Likely pathogenic. Review status: criteria provided, multiple submitters, no conflicts (2 of 4 stars). 2 submissions from 2 submitters: Pathogenic (1); Likely pathogenic (1). Last evaluated 2024-06-15.

Allele frequency attached by ClinVar (database versions not stated): gnomAD exomes below 0.00001.
gnomAD v4.1: 1 of 1,614,176 alleles (0.000062%); highest among the groups gnomAD compares: Non-Finnish European, 0.000085%; no homozygotes.

Submissions (2):

Labcorp Genetics (formerly Invitae), Labcorp
Classification: Likely pathogenic. Last evaluated: 2024-06-15. Review status: criteria provided, single submitter. Criteria: Invitae Variant Classification Sherloc (09022015). Collection method: clinical testing. Allele origin: germline.
Comment: This sequence change affects a donor splice site in intron 4 of the SLC4A1 gene. It is expected to disrupt RNA splicing. Variants that disrupt the donor or acceptor splice site typically lead to a loss of protein function (PMID: 16199547), and loss-of-function variants in SLC4A1 are known to be pathogenic (PMID: 8943874, 10926824, 23255290). This variant is not present in population databases (gnomAD no frequency). Disruption of this splice site has been observed in individual(s) with autosomal dominant hereditary spherocytosis (PMID: 32436265). ClinVar contains an entry for this variant (Variation ID: 1711439). Algorithms developed to predict the effect of sequence changes on RNA splicing suggest that this variant may disrupt the consensus splice site. In summary, the currently available evidence indicates that the variant is pathogenic, but additional data are needed to prove that conclusively. Therefore, this variant has been classified as Likely Pathogenic.

CeGaT Center for Human Genetics Tuebingen
Classification: Pathogenic. Last evaluated: 2022-09-01. Review status: criteria provided, single submitter. Criteria: CeGaT Center For Human Genetics Tuebingen Variant Classification Criteria Version 2. Collection method: clinical testing. Allele origin: germline. Affected: yes. Observed: 3 variant alleles.

Literature cited by the submitters: PubMed 16199547 (cited by Labcorp Genetics (formerly Invitae), Labcorp); PubMed 8943874 (cited by Labcorp Genetics (formerly Invitae), Labcorp); PubMed 10926824 (cited by Labcorp Genetics (formerly Invitae), Labcorp); PubMed 23255290 (cited by Labcorp Genetics (formerly Invitae), Labcorp); PubMed 32436265 (cited by Labcorp Genetics (formerly Invitae), Labcorp).

NM_000342.4(SLC4A1):c.168+1G>A

Gene: SLC4A1 (solute carrier family 4 member 1 (Diego blood group); minus strand). Cytogenetic location: 17q21.31.
Variant type: single nucleotide variant.
Coding change: c.168+1G>A on transcript NM_000342.4 (MANE Select); the canonical splice donor site of the intron after coding-DNA position 168, G replaced by A.
Molecular consequence: splice donor variant.
Genome position (GRCh38, 1-based): chr17:44,261,574, C>T on the plus strand (G>A on the coding strand, the complement: SLC4A1 is on the minus strand). VCF-style: chr17-44261574-C-T. GRCh37 (hg19) VCF-style: chr17-42338942-C-T.
Identifiers: ClinVar variation 1711439 (VCV001711439.32), dbSNP rs2509972400, ClinGen allele CA399796763.
Genomic context (GRCh38, chr17:44,261,574, plus strand): 5'-TGATCAAATGGTGGGTCCCAAAGGCAGCATGGGAAAGAACGGAGGAGGCTGGGGTCCTCA[C>T]CTTGTGGGTACCCGGGTGTGATGTGGTGTGGTAGTCTGTGGCTGTTGCCTCGGTGTCGTG-3'